The following is an entry in ClinVar:

NM_004628.5(XPC):c.2028C>G (p.Tyr676Ter)

Gene: XPC (XPC complex subunit, DNA damage recognition and repair factor; minus strand). Cytogenetic location: 3p25.1.
Variant type: single nucleotide variant.
Coding change: c.2028C>G on transcript NM_004628.5 (MANE Select); coding-DNA position 2028, C replaced by G.
Protein change: p.Tyr676Ter; replaces tyrosine 676 with a stop codon.
Molecular consequence: nonsense. On other transcripts: intron variant (1).
Genome position (GRCh38, 1-based): chr3:14,156,340, G>C on the plus strand (C>G on the coding strand, the complement: XPC is on the minus strand). VCF-style: chr3-14156340-G-C. GRCh37 (hg19) VCF-style: chr3-14197840-G-C.
Other names: c.1449C>G, p.Tyr483Ter (NM_001354726.2); c.2010C>G, p.Tyr670Ter (NM_001354729.2); c.1782C>G, p.Tyr594Ter (NM_001354730.2); c.1872+1671C>G (NM_001354727.2); short protein forms Y594*, Y670*, Y483*, Y676*.
Identifiers: ClinVar variation 1455403 (VCV001455403.6), dbSNP rs2228004, ClinGen allele CA351538507.

ClinVar aggregate classification (germline): Pathogenic (1 of 4 stars; one submission).

Submission:

Labcorp Genetics (formerly Invitae), Labcorp
Classification: Pathogenic. Last evaluated: 2020-11-06. Review status: criteria provided, single submitter. Criteria: Invitae Variant Classification Sherloc (09022015). Collection method: clinical testing. Allele origin: germline.
Comment: This sequence change creates a premature translational stop signal (p.Tyr676*) in the XPC gene. It is expected to result in an absent or disrupted protein product. Loss-of-function variants in XPC are known to be pathogenic (PMID: 23173980, 25256075). This variant is not present in population databases (ExAC no frequency). This variant has not been reported in the literature in individuals with XPC-related conditions. For these reasons, this variant has been classified as Pathogenic.

Literature cited by the submitters: PubMed 23173980; PubMed 25256075.